The following is an entry in ClinVar:

ClinVar aggregate classification (germline): Uncertain significance (1 of 4 stars; one submission).

Submission:

Labcorp Genetics (formerly Invitae), Labcorp
Classification: Uncertain significance. Last evaluated: 2022-01-19. Review status: criteria provided, single submitter. Criteria: Invitae Variant Classification Sherloc (09022015). Collection method: clinical testing. Allele origin: germline.
Comment: This variant has not been reported in the literature in individuals affected with EYS-related conditions. In summary, the available evidence is currently insufficient to determine the role of this variant in disease. Therefore, it has been classified as a Variant of Uncertain Significance. Variants that disrupt the consensus splice site are a relatively common cause of aberrant splicing (PMID: 17576681, 9536098). Algorithms developed to predict the effect of sequence changes on RNA splicing suggest that this variant may disrupt the consensus splice site. Algorithms developed to predict the effect of missense changes on protein structure and function (SIFT, PolyPhen-2, Align-GVGD) all suggest that this variant is likely to be disruptive. This variant is not present in population databases (gnomAD no frequency). This sequence change affects codon 1190 of the EYS mRNA. It is a 'silent' change, meaning that it does not change the encoded amino acid sequence of the EYS protein. This variant also falls at the last nucleotide of exon 23, which is part of the consensus splice site for this exon.

Literature cited by the submitters: PubMed 17576681; PubMed 9536098.

NM_001142800.2(EYS):c.3568G>C (p.Gly1190Arg)

Gene: EYS (EGF-like photoreceptor maintenance factor; minus strand). Cytogenetic location: 6q12.
Variant type: single nucleotide variant.
Coding change: c.3568G>C on transcript NM_001142800.2 (MANE Select); coding-DNA position 3568, G replaced by C.
Protein change: p.Gly1190Arg; replaces glycine 1190 with arginine.
Molecular consequence: missense variant.
Genome position (GRCh38, 1-based): chr6:64,626,121, C>G on the plus strand (G>C on the coding strand, the complement: EYS is on the minus strand). VCF-style: chr6-64626121-C-G. GRCh37 (hg19) VCF-style: chr6-65336014-C-G.
Other names: c.3568G>C, p.Gly1190Arg (NM_001292009.2); short protein forms G1190R.
Identifiers: ClinVar variation 1445740 (VCV001445740.6), dbSNP rs1767601042, ClinGen allele CA364785252.
Genomic context (GRCh38, chr6:64,626,121, plus strand): 5'-TTTACATAAACGTATATATTATTATATATGCAGTATGCTTATTATTTTTAAAATAATTAC[C>G]TGGTTGGCATTTGCAAACATATCCATTGATGTGATCTTCACAGTCTGCACCATGTAGACA-3'
Protein context (NP_001136272.1, residues 1180-1200): INGYVCKCQP[Gly1190Arg]WSGHHCENEL